The following is an entry in ClinVar:

NM_001457.4(FLNB):c.6244+4T>G

Gene: FLNB (filamin B; plus strand). Cytogenetic location: 3p14.3.
Variant type: single nucleotide variant.
Coding change: c.6244+4T>G on transcript NM_001457.4 (MANE Select); 4 bases into the intron after coding-DNA position 6244, T replaced by G.
Molecular consequence: intron variant.
Genome position (GRCh38, 1-based): chr3:58,150,006, T>G. VCF-style: chr3-58150006-T-G. GRCh37 (hg19) VCF-style: chr3-58135733-T-G.
Other names: c.6337+4T>G (NM_001164317.2); c.6211+4T>G (NM_001164318.2); c.6172+4T>G (NM_001164319.2).
Identifiers: ClinVar variation 346355 (VCV000346355.18), dbSNP rs185737810, ClinGen allele CA2469285.

ClinVar aggregate classification (germline): Likely benign. Review status: criteria provided, multiple submitters, no conflicts (2 of 4 stars). 5 submissions from 5 submitters: Likely benign (5). Last evaluated 2026-01-02.

Conditions:
FLNB-Related Spectrum Disorders.
Inborn genetic diseases. Identifiers: MedGen C0950123, MeSH D030342.

Allele frequency attached by ClinVar (database versions not stated): gnomAD exomes 0.00018 and 0.00053; ExAC 0.00068; 1000 Genomes Project 30x 0.00156; 1000 Genomes Project 0.00160; gnomAD 0.00162 and 0.00178; TOPMed 0.00216; ESP Exome Variant Server 0.00261.
gnomAD v4.1: 519 of 1,614,264 alleles (0.032%); highest among the groups gnomAD compares: African/African-American, 0.6%; 3 homozygotes.

Submissions (7):

Labcorp Genetics (formerly Invitae), Labcorp
Classification: Likely benign. Last evaluated: 2026-01-02. Review status: criteria provided, single submitter. Criteria: Invitae Variant Classification Sherloc (09022015). Collection method: clinical testing. Allele origin: germline.

Blueprint Genetics
Classification: Likely benign. Last evaluated: 2024-11-25. Review status: criteria provided, single submitter. Criteria: ACMG Guidelines, 2015. Collection method: clinical testing. Allele origin: germline.

Ambry Genetics
Classification: Likely benign for Inborn genetic diseases. Last evaluated: 2021-06-17. Review status: criteria provided, single submitter. Criteria: Ambry Variant Classification Scheme 2023. Collection method: clinical testing. Allele origin: germline.

GeneDx
Classification: Likely benign. Last evaluated: 2020-11-09. Review status: criteria provided, single submitter. Criteria: GeneDx Variant Classification Process June 2021. Collection method: clinical testing. Allele origin: germline. Affected: yes.

Illumina Laboratory Services, Illumina
Classification: Likely benign for FLNB-Related Spectrum Disorders. Last evaluated: 2018-01-13. Review status: criteria provided, single submitter. Criteria: ICSL Variant Classification Criteria 13 December 2019. Collection method: clinical testing. Allele origin: germline.
Comment: This variant was observed in the ICSL laboratory as part of a predisposition screen in an ostensibly healthy population. It had not been previously curated by ICSL or reported in the Human Gene Mutation Database (HGMD: prior to June 1st, 2018), and was therefore a candidate for classification through an automated scoring system. Utilizing variant allele frequency, disease prevalence and penetrance estimates, and inheritance mode, an automated score was calculated to assess if this variant is too frequent to cause the disease. Based on the score and internal cut-off values, a variant classified as likely benign is not then subjected to further curation. The score for this variant resulted in a classification of likely benign for this disease.

Dr. Peter K. Rogan Lab, Western University
No classification provided (evidence only). Condition: Familial cancer of breast. Review status: no classification provided. Collection method: in vitro. Allele origin: not applicable. Functional consequence: retained intron. Not counted in ClinVar's aggregate classification.

Dr. Peter K. Rogan Lab, Western University
No classification provided (evidence only). Condition: Uterine corpus endometrial carcinoma. Review status: no classification provided. Collection method: in vitro. Allele origin: not applicable. Functional consequence: retained intron. Not counted in ClinVar's aggregate classification.